The following is an entry in ClinVar:

ClinVar aggregate classification (germline): Pathogenic. Review status: criteria provided, single submitter (1 of 4 stars). 2 submissions from 2 submitters: Pathogenic (1). 1 of the submissions does not count toward it. Last evaluated 2022-12-31.

Conditions:
Argininosuccinate lyase deficiency. Also called: ARGININOSUCCINIC ACID LYASE DEFICIENCY; ASL DEFICIENCY; Argininosuccinic aciduria. Identifiers: Orphanet 23, MedGen C0268547, MONDO:0008815, OMIM 207900, HP:0025630.

Submissions (2):

Labcorp Genetics (formerly Invitae), Labcorp
Classification: Pathogenic for Argininosuccinate lyase deficiency. Last evaluated: 2022-12-31. Review status: criteria provided, single submitter. Criteria: Invitae Variant Classification Sherloc (09022015). Collection method: clinical testing. Allele origin: germline.
Comment: This variant disrupts a region of the ASL protein in which other variant(s) (p.Arg456Trp) have been determined to be pathogenic (PMID: 17326097, 19703900, 24166829, 26843370). This suggests that this is a clinically significant region of the protein, and that variants that disrupt it are likely to be disease-causing. This premature translational stop signal has been observed in individual(s) with argininosuccinate lyase deficiency (PMID: 32410394). This variant is not present in population databases (gnomAD no frequency). This sequence change creates a premature translational stop signal (p.Tyr437*) in the ASL gene. While this is not anticipated to result in nonsense mediated decay, it is expected to disrupt the last 28 amino acid(s) of the ASL protein. For these reasons, this variant has been classified as Pathogenic.

Counsyl
Classification: Likely pathogenic for Argininosuccinate lyase deficiency. Last evaluated: 2018-02-26. Review status: no assertion criteria provided. Collection method: clinical testing. Allele origin: unknown. Not counted in ClinVar's aggregate classification.

Literature cited by the submitters: PubMed 17326097 (cited by Labcorp Genetics (formerly Invitae), Labcorp); PubMed 19703900 (cited by Labcorp Genetics (formerly Invitae), Labcorp); PubMed 24166829 (cited by Labcorp Genetics (formerly Invitae), Labcorp and Counsyl); PubMed 26843370 (cited by Labcorp Genetics (formerly Invitae), Labcorp); PubMed 32410394 (cited by Labcorp Genetics (formerly Invitae), Labcorp).

NM_000048.4(ASL):c.1311T>G (p.Tyr437Ter)

Gene: ASL (argininosuccinate lyase; plus strand). Cytogenetic location: 7q11.21.
Variant type: single nucleotide variant.
Coding change: c.1311T>G on transcript NM_000048.4 (MANE Select); coding-DNA position 1311, T replaced by G.
Protein change: p.Tyr437Ter; replaces tyrosine 437 with a stop codon.
Molecular consequence: nonsense.
Genome position (GRCh38, 1-based): chr7:66,092,828, T>G. VCF-style: chr7-66092828-T-G. GRCh37 (hg19) VCF-style: chr7-65557815-T-G.
Other names: c.1311T>G, p.Tyr437Ter (NM_001024943.2); c.1251T>G, p.Tyr417Ter (NM_001024944.2); c.1233T>G, p.Tyr411Ter (NM_001024946.2); short protein forms Y437*, Y411*, Y417*.
Identifiers: ClinVar variation 556889 (VCV000556889.5), dbSNP rs932494060, ClinGen allele CA367653288.
Genomic context (GRCh38, chr7:66,092,828, plus strand): 5'-CCCCCTGTTCTCGGGCGACGTGATCTGCGTGTGGGACTACGGGCACAGTGTGGAGCAGTA[T>G]GGTGCCCTGGGCGGCACTGCGCGCTCCAGCGTCGACTGGCAGATCCGCCAGGTGCGGGCG-3'